The following is an entry in ClinVar:

NM_025114.4(CEP290):c.4240C>G (p.Leu1414Val)

Gene: CEP290 (centrosomal protein 290; minus strand). Cytogenetic location: 12q21.32.
Variant type: single nucleotide variant.
Coding change: c.4240C>G on transcript NM_025114.4 (MANE Select); coding-DNA position 4240, C replaced by G.
Protein change: p.Leu1414Val; replaces leucine 1414 with valine.
Molecular consequence: missense variant.
Genome position (GRCh38, 1-based): chr12:88,086,453, G>C on the plus strand (C>G on the coding strand, the complement: CEP290 is on the minus strand). VCF-style: chr12-88086453-G-C. GRCh37 (hg19) VCF-style: chr12-88480230-G-C.
Other names: short protein forms L1414V.
Identifiers: ClinVar variation 933243 (VCV000933243.8), dbSNP rs762417751, ClinGen allele CA6711995.

ClinVar aggregate classification (germline): Uncertain significance. Review status: criteria provided, multiple submitters, no conflicts (2 of 4 stars). 5 submissions from 5 submitters: Uncertain significance (3). 2 of the submissions do not count toward it. Last evaluated 2023-05-09.

Conditions:
CEP290-related disorder. Also called: CEP290-related disorders; CEP290-related condition. Identifiers: MedGen CN239314.
Joubert syndrome. Also called: JOUBERT-BOLTSHAUSER SYNDROME; Familial aplasia of the vermis. Identifiers: Orphanet 475, MedGen C5979921, MONDO:0018772.
Meckel-Gruber syndrome. Also called: DYSENCEPHALIA SPLANCHNOCYSTICA; GRUBER SYNDROME; Dysencephalia splachnocystica. Identifiers: Orphanet 564, MedGen C0265215, MONDO:0018921.
Nephronophthisis. Also called: Juvenile Nephronophthisis. Identifiers: Orphanet 655, MedGen C0687120, MONDO:0019005, HP:0000090.
Leber congenital amaurosis (LCA). Also called: Leber's amaurosis. Identifiers: Orphanet 65, MedGen C0339527, MeSH D057130, MONDO:0018998.

Allele frequency attached by ClinVar (database versions not stated): TOPMed 0.00001; gnomAD exomes 0.00004; ExAC 0.00006.
gnomAD v4.1: 11 of 1,600,540 alleles (0.00069%); highest among the groups gnomAD compares: Admixed American, 0.019%; no homozygotes.

Submissions (5):

GeneDx
Classification: Uncertain significance. Last evaluated: 2023-05-09. Review status: criteria provided, single submitter. Criteria: GeneDx Variant Classification Process June 2021. Collection method: clinical testing. Allele origin: germline. Affected: yes.
Comment: In silico analysis supports that this missense variant does not alter protein structure/function; Has not been previously published as pathogenic or benign to our knowledge

Labcorp Genetics (formerly Invitae), Labcorp
Classification: Uncertain significance for Joubert syndrome; Meckel-Gruber syndrome; Nephronophthisis. Last evaluated: 2022-06-03. Review status: criteria provided, single submitter. Criteria: Invitae Variant Classification Sherloc (09022015). Collection method: clinical testing. Allele origin: germline.
Comment: This sequence change replaces leucine, which is neutral and non-polar, with valine, which is neutral and non-polar, at codon 1414 of the CEP290 protein (p.Leu1414Val). This variant is present in population databases (rs762417751, gnomAD 0.03%). This variant has not been reported in the literature in individuals affected with CEP290-related conditions. ClinVar contains an entry for this variant (Variation ID: 933243). Algorithms developed to predict the effect of missense changes on protein structure and function are either unavailable or do not agree on the potential impact of this missense change (SIFT: "Deleterious"; PolyPhen-2: "Probably Damaging"; Align-GVGD: "Class C0"). In summary, the available evidence is currently insufficient to determine the role of this variant in disease. Therefore, it has been classified as a Variant of Uncertain Significance.

Blueprint Genetics
Classification: Uncertain significance. Last evaluated: 2021-08-25. Review status: criteria provided, single submitter. Criteria: ACMG Guidelines, 2015. Collection method: clinical testing. Allele origin: germline.

PreventionGenetics, part of Exact Sciences
Classification: Uncertain significance for CEP290-related condition. Last evaluated: 2024-03-14. Review status: no assertion criteria provided. Collection method: clinical testing. Allele origin: germline. Not counted in ClinVar's aggregate classification.
Comment: The CEP290 c.4240C>G variant is predicted to result in the amino acid substitution p.Leu1414Val. To our knowledge, this variant has not been reported in the literature. This variant is reported in 0.031% of alleles in individuals of Latino descent in gnomAD. At this time, the clinical significance of this variant is uncertain due to the absence of conclusive functional and genetic evidence.

Natera, Inc.
Classification: Uncertain significance for Leber congenital amaurosis. Last evaluated: 2020-02-21. Review status: no assertion criteria provided. Collection method: clinical testing. Allele origin: germline. Not counted in ClinVar's aggregate classification.